The following is an entry in ClinVar:

NM_139343.3(BIN1):c.1439C>T (p.Thr480Met)

Gene: BIN1 (bridging integrator 1; minus strand). Cytogenetic location: 2q14.3.
Variant type: single nucleotide variant.
Coding change: c.1439C>T on transcript NM_139343.3 (MANE Select); coding-DNA position 1439, C replaced by T.
Protein change: p.Thr480Met; replaces threonine 480 with methionine.
Molecular consequence: missense variant. On other transcripts: intron variant (3).
Genome position (GRCh38, 1-based): chr2:127,051,176, G>A on the plus strand (C>T on the coding strand, the complement: BIN1 is on the minus strand). VCF-style: chr2-127051176-G-A. GRCh37 (hg19) VCF-style: chr2-127808752-G-A.
Other names: c.1070C>T, p.Thr357Met (NM_001320633.2); c.1199C>T, p.Thr400Met (NM_001320640.2); c.1346C>T, p.Thr449Met (NM_001320641.2); c.1358C>T, p.Thr453Met (NM_001320642.1); c.1022C>T, p.Thr341Met (NM_004305.4); c.1310C>T, p.Thr437Met (NM_139344.3); c.1178C>T, p.Thr393Met (NM_139345.3); c.1151C>T, p.Thr384Met (NM_139346.3); and 7 more; short protein forms T480M, T341M, T362M, T384M, T393M, T405M, T437M, T357M.
Identifiers: ClinVar variation 461705 (VCV000461705.11), dbSNP rs780918654, ClinGen allele CA1857055.

ClinVar aggregate classification (germline): Uncertain significance. Review status: criteria provided, multiple submitters, no conflicts (2 of 4 stars). 3 submissions from 3 submitters: Uncertain significance (3). Last evaluated 2025-09-04.

Conditions:
Inborn genetic diseases. Identifiers: MedGen C0950123, MeSH D030342.
Myopathy, centronuclear, 2 (CNM2). Also called: MYOTUBULAR MYOPATHY, AUTOSOMAL RECESSIVE. Identifiers: Orphanet 169186, MedGen CN031787, MONDO:0009709, OMIM 255200.

Allele frequency attached by ClinVar (database versions not stated): gnomAD 0.00006; gnomAD exomes 0.00003; ExAC 0.00003; TOPMed 0.00010.
gnomAD v4.1: 37 of 1,613,396 alleles (0.0023%); highest among the groups gnomAD compares: Admixed American, 0.017%; no homozygotes.

Submissions (3):

Labcorp Genetics (formerly Invitae), Labcorp
Classification: Uncertain significance for Myopathy, centronuclear, 2. Last evaluated: 2025-09-04. Review status: criteria provided, single submitter. Criteria: Invitae Variant Classification Sherloc (09022015). Collection method: clinical testing. Allele origin: germline.
Comment: This sequence change replaces threonine, which is neutral and polar, with methionine, which is neutral and non-polar, at codon 480 of the BIN1 protein (p.Thr480Met). This variant is present in population databases (rs780918654, gnomAD 0.02%). This variant has not been reported in the literature in individuals affected with BIN1-related conditions. ClinVar contains an entry for this variant (Variation ID: 461705). An algorithm developed to predict the effect of missense changes on protein structure and function (PolyPhen-2) suggests that this variant is likely to be tolerated. In summary, the available evidence is currently insufficient to determine the role of this variant in disease. Therefore, it has been classified as a Variant of Uncertain Significance.

Ambry Genetics
Classification: Uncertain significance for Inborn genetic diseases. Last evaluated: 2021-08-02. Review status: criteria provided, single submitter. Criteria: Ambry Variant Classification Scheme 2023. Collection method: clinical testing. Allele origin: germline.

GeneDx
Classification: Uncertain significance. Last evaluated: 2019-07-02. Review status: criteria provided, single submitter. Criteria: GeneDx Variant Classification Process June 2021. Collection method: clinical testing. Allele origin: germline. Affected: yes.
Comment: In silico analysis, which includes protein predictors and evolutionary conservation, supports that this variant does not alter protein structure/function; Has not been previously published as pathogenic or benign to our knowledge